The following is an entry in ClinVar:

ClinVar aggregate classification (germline): Uncertain significance (1 of 4 stars; one submission).

Conditions:
Congenital adrenal hyperplasia due to cytochrome P450 oxidoreductase deficiency. Also called: DISORDERED STEROIDOGENESIS DUE TO POR DEFICIENCY. Identifiers: Orphanet 95699, MedGen C1860042, MONDO:0013310, OMIM 613571.

Allele frequency attached by ClinVar (database versions not stated): gnomAD exomes below 0.00001; TOPMed below 0.00001; gnomAD 0.00001.
gnomAD v4.1: 6 of 1,599,292 alleles (0.00038%); highest among the groups gnomAD compares: African/African-American, 0.0013%; no homozygotes.

Submission:

Labcorp Genetics (formerly Invitae), Labcorp
Classification: Uncertain significance for Congenital adrenal hyperplasia due to cytochrome P450 oxidoreductase deficiency. Last evaluated: 2024-04-10. Review status: criteria provided, single submitter. Criteria: Invitae Variant Classification Sherloc (09022015). Collection method: clinical testing. Allele origin: germline.
Comment: This sequence change falls in intron 10 of the POR gene. It does not directly change the encoded amino acid sequence of the POR protein. It affects a nucleotide within the consensus splice site. The frequency data for this variant in the population databases is considered unreliable, as metrics indicate poor data quality at this position in the gnomAD database. This variant has not been reported in the literature in individuals affected with POR-related conditions. ClinVar contains an entry for this variant (Variation ID: 1380385). Variants that disrupt the consensus splice site are a relatively common cause of aberrant splicing (PMID: 17576681, 9536098). Algorithms developed to predict the effect of sequence changes on RNA splicing suggest that this variant is not likely to affect RNA splicing. In summary, the available evidence is currently insufficient to determine the role of this variant in disease. Therefore, it has been classified as a Variant of Uncertain Significance.

Literature cited by the submitters: PubMed 17576681; PubMed 9536098.

NM_001395413.1(POR):c.1057+3G>A

Genes: POR (cytochrome p450 oxidoreductase; plus strand), LOC126860075 (CDK7 strongly-dependent group 2 enhancer GRCh37_chr7:75612087-75613286; plus strand). Cytogenetic location: 7q11.23.
Variant type: single nucleotide variant.
Coding change: c.1057+3G>A on transcript NM_001395413.1 (MANE Select); 3 bases into the intron after coding-DNA position 1057, G replaced by A.
Molecular consequence: intron variant.
Genome position (GRCh38, 1-based): chr7:75,983,859, G>A. VCF-style: chr7-75983859-G-A. GRCh37 (hg19) VCF-style: chr7-75613177-G-A.
Other names: c.1057+3G>A (NM_001382662.3, NM_001382659.3, NM_001367562.3 and 2 more transcripts); c.1111+3G>A (NM_001382655.3).
Identifiers: ClinVar variation 1380385 (VCV001380385.5), dbSNP rs1247013812, ClinGen allele CA575786357.